The following is an entry in ClinVar:

NM_002292.4(LAMB2):c.1390_1391insA (p.Arg464fs)

Gene: LAMB2 (laminin subunit beta 2; minus strand). Cytogenetic location: 3p21.31.
Variant type: Insertion.
Coding change: c.1390_1391insA on transcript NM_002292.4 (MANE Select); coding-DNA positions 1390 to 1391, A inserted.
Protein change: p.Arg464fs; shifts the reading frame from arginine 464.
Molecular consequence: frameshift variant.
Genome position: GRCh38 VCF-style: chr3-49129853-C-CT. GRCh37 (hg19) VCF-style: chr3-49167286-C-CT.
Other names: short protein forms R464fs.
Identifiers: ClinVar variation 1453552 (VCV001453552.6), dbSNP rs1560075930, ClinGen allele CA542803920.
Genomic context (GRCh38, chr3:49,129,853, plus strand): 5'-ACAGGGGTTAAAGGTCAGCATAGAAGTTAGGGCAGGAGACACATACGCCGGCAGCCCAGA[C>CT]GGTCACTGATGCTGAGCCCAAAGAAGCCATCACGGCATTGCTGGCAGCGAGTGCCCACCA-3'

ClinVar aggregate classification (germline): Pathogenic (1 of 4 stars; one submission).

Conditions:
Pierson syndrome. Also called: MICROCORIA-CONGENITAL NEPHROTIC SYNDROME. Identifiers: Orphanet 2670, MedGen C1836876, MONDO:0012184, OMIM 609049.
LAMB2-related infantile-onset nephrotic syndrome. Also called: NEPHROTIC SYNDROME, TYPE 5, WITHOUT OCULAR ABNORMALITIES; NEPHROTIC SYNDROME, TYPE 5, WITH OCULAR ABNORMALITIES; Nephrotic Syndrome, type 5. Identifiers: Orphanet 306507, MedGen C3280113, MONDO:0013621, OMIM 614199.

Allele frequency attached by ClinVar (database versions not stated): gnomAD exomes below 0.00001; gnomAD 0.00001.

Submission:

Labcorp Genetics (formerly Invitae), Labcorp
Classification: Pathogenic for LAMB2-related infantile-onset nephrotic syndrome; Pierson syndrome. Last evaluated: 2021-02-07. Review status: criteria provided, single submitter. Criteria: Invitae Variant Classification Sherloc (09022015). Collection method: clinical testing. Allele origin: germline.
Comment: For these reasons, this variant has been classified as Pathogenic. This variant has not been reported in the literature in individuals with LAMB2-related conditions. This variant is not present in population databases (ExAC no frequency). This sequence change creates a premature translational stop signal (p.Arg464Glnfs*10) in the LAMB2 gene. It is expected to result in an absent or disrupted protein product. Loss-of-function variants in LAMB2 are known to be pathogenic (PMID: 15367484).

Literature cited by the submitters: PubMed 15367484.